The following is an entry in ClinVar:

NM_152783.5(D2HGDH):c.1272G>A (p.Pro424=)

Gene: D2HGDH (D-2-hydroxyglutarate dehydrogenase; plus strand). Cytogenetic location: 2q37.3.
Variant type: single nucleotide variant.
Coding change: c.1272G>A on transcript NM_152783.5 (MANE Select); coding-DNA position 1272, G replaced by A.
Protein change: p.Pro424=; no amino-acid change (proline 424 retained).
Molecular consequence: synonymous variant. On other transcripts: non-coding transcript variant (1).
Genome position (GRCh38, 1-based): chr2:241,755,980, G>A. VCF-style: chr2-241755980-G-A. GRCh37 (hg19) VCF-style: chr2-242695395-G-A.
Other names: c.870G>A, p.Pro290= (NM_001287249.2); c.711G>A, p.Pro237= (NM_001352824.2).
Identifiers: ClinVar variation 210814 (VCV000210814.20), dbSNP rs375565047, ClinGen allele CA208974.
Genomic context (GRCh38, chr2:241,755,980, plus strand): 5'-CTCCCTCCCTGTGGAGCGGCTCTACGACATCGTGACTGACCTGCGCGCCCGCCTCGGCCC[G>A]CACGCCAAGCACGTGGTGGGCTATGGCCACCTTGGTGAGCGGCGCCCCGGGGCCGCGGCC-3'
Protein context (NP_689996.4, residues 414-434): IVTDLRARLG[Pro424=]HAKHVVGYGH

ClinVar aggregate classification (germline): Conflicting classifications of pathogenicity. Review status: criteria provided, conflicting classifications (1 of 4 stars). 4 submissions from 4 submitters: Uncertain significance (1); Benign (2). 1 of the submissions does not count toward it. Last evaluated 2025-10-13.

Conditions:
D2HGDH-related disorder. Also called: D2HGDH-related condition.
D-2-hydroxyglutaric aciduria 1 (D2HGA1). Identifiers: Orphanet 79315, MedGen C3152055, MONDO:0024554, OMIM 600721.

Allele frequency attached by ClinVar (database versions not stated): ESP Exome Variant Server 0.00008; TOPMed 0.00010; 1000 Genomes Project 30x 0.00219; 1000 Genomes Project 0.00260.
gnomAD v4.1: 1,574 of 1,603,226 alleles (0.098%); highest among the groups gnomAD compares: South Asian, 1.6%; 21 homozygotes.

Submissions (4):

Labcorp Genetics (formerly Invitae), Labcorp
Classification: Benign for D-2-hydroxyglutaric aciduria 1. Last evaluated: 2025-10-13. Review status: criteria provided, single submitter. Criteria: Invitae Variant Classification Sherloc (09022015). Collection method: clinical testing. Allele origin: germline.

Illumina Laboratory Services, Illumina
Classification: Benign for D-2-hydroxyglutaric aciduria 1. Last evaluated: 2018-01-13. Review status: criteria provided, single submitter. Criteria: ICSL Variant Classification Criteria 13 December 2019. Collection method: clinical testing. Allele origin: germline.
Comment: This variant was observed in the ICSL laboratory as part of a predisposition screen in an ostensibly healthy population. It had not been previously curated by ICSL or reported in the Human Gene Mutation Database (HGMD: prior to June 1st, 2018), and was therefore a candidate for classification through an automated scoring system. Utilizing variant allele frequency, disease prevalence and penetrance estimates, and inheritance mode, an automated score was calculated to assess if this variant is too frequent to cause the disease. Based on the score and internal cut-off values, a variant classified as benign is not then subjected to further curation. The score for this variant resulted in a classification of benign for this disease.

Genetic Services Laboratory, University of Chicago
Classification: Uncertain significance. Last evaluated: 2014-09-11. Review status: criteria provided, single submitter. Criteria: ACMG Guidelines, 2015. Collection method: clinical testing. Allele origin: germline.

PreventionGenetics, part of Exact Sciences
Classification: Benign for D2HGDH-related condition. Last evaluated: 2024-02-21. Review status: no assertion criteria provided. Collection method: clinical testing. Allele origin: germline. Not counted in ClinVar's aggregate classification.
Comment: This variant is classified as benign based on ACMG/AMP sequence variant interpretation guidelines (Richards et al. 2015 PMID: 25741868, with internal and published modifications).